The following is an entry in ClinVar:

NM_000395.3(CSF2RB):c.1523C>A (p.Pro508His)

Gene: CSF2RB (colony stimulating factor 2 receptor subunit beta; plus strand). Cytogenetic location: 22q12.3.
Variant type: single nucleotide variant.
Coding change: c.1523C>A on transcript NM_000395.3 (MANE Select); coding-DNA position 1523, C replaced by A.
Protein change: p.Pro508His; replaces proline 508 with histidine.
Molecular consequence: missense variant.
Genome position (GRCh38, 1-based): chr22:36,936,607, C>A. VCF-style: chr22-36936607-C-A. GRCh37 (hg19) VCF-style: chr22-37332649-C-A.
Other names: short protein forms P508H.
Identifiers: ClinVar variation 1486411 (VCV001486411.6), dbSNP rs73405902, ClinGen allele CA10213908.

ClinVar aggregate classification (germline): Uncertain significance (1 of 4 stars; one submission).

Allele frequency attached by ClinVar (database versions not stated): ExAC 0.00012; gnomAD exomes 0.00014; ESP Exome Variant Server 0.00038; gnomAD 0.00056 and 0.00061; 1000 Genomes Project 0.00100; 1000 Genomes Project 30x 0.00156.

Submission:

Labcorp Genetics (formerly Invitae), Labcorp
Classification: Uncertain significance. Last evaluated: 2026-01-25. Review status: criteria provided, single submitter. Criteria: Invitae Variant Classification Sherloc (09022015). Collection method: clinical testing. Allele origin: germline.
Comment: This sequence change replaces proline, which is neutral and non-polar, with histidine, which is basic and polar, at codon 508 of the CSF2RB protein (p.Pro508His). This variant is present in population databases (rs73405902, gnomAD 0.1%), and has an allele count higher than expected for a pathogenic variant. This variant has not been reported in the literature in individuals affected with CSF2RB-related conditions. ClinVar contains an entry for this variant (Variation ID: 1486411). Invitae Evidence Modeling of protein sequence and biophysical properties (such as structural, functional, and spatial information, amino acid conservation, physicochemical variation, residue mobility, and thermodynamic stability) indicates that this missense variant is not expected to disrupt CSF2RB protein function with a negative predictive value of 80%. In summary, the available evidence is currently insufficient to determine the role of this variant in disease. Therefore, it has been classified as a Variant of Uncertain Significance.